The following is an entry in ClinVar:

NM_020702.5(MYORG):c.43C>A (p.Arg15Ser)

Gene: MYORG (myogenesis regulating glycosidase; minus strand). Cytogenetic location: 9p13.3.
Variant type: single nucleotide variant.
Coding change: c.43C>A on transcript NM_020702.5 (MANE Select); coding-DNA position 43, C replaced by A.
Protein change: p.Arg15Ser; replaces arginine 15 with serine.
Molecular consequence: missense variant.
Genome position (GRCh38, 1-based): chr9:34,372,901, G>T on the plus strand (C>A on the coding strand, the complement: MYORG is on the minus strand). VCF-style: chr9-34372901-G-T. GRCh37 (hg19) VCF-style: chr9-34372899-G-T.
Other names: short protein forms R15S.
Identifiers: ClinVar variation 1681331 (VCV001681331.8), dbSNP rs375608013, ClinGen allele CA373248289.

ClinVar aggregate classification (germline): Uncertain significance (1 of 4 stars; one submission).

gnomAD v4.1: 1 of 1,613,862 alleles (0.000062%); highest among the groups gnomAD compares: South Asian, 0.0011%; no homozygotes.

Submission:

Labcorp Genetics (formerly Invitae), Labcorp
Classification: Uncertain significance. Last evaluated: 2022-11-22. Review status: criteria provided, single submitter. Criteria: Invitae Variant Classification Sherloc (09022015). Collection method: clinical testing. Allele origin: germline.
Comment: In summary, the available evidence is currently insufficient to determine the role of this variant in disease. Therefore, it has been classified as a Variant of Uncertain Significance. Algorithms developed to predict the effect of missense changes on protein structure and function are either unavailable or do not agree on the potential impact of this missense change (SIFT: "Tolerated"; PolyPhen-2: "Not Available"; Align-GVGD: "Class C0"). ClinVar contains an entry for this variant (Variation ID: 1681331). This variant has not been reported in the literature in individuals affected with KIAA1161-related conditions. This variant is not present in population databases (gnomAD no frequency). This sequence change replaces arginine, which is basic and polar, with serine, which is neutral and polar, at codon 15 of the KIAA1161 protein (p.Arg15Ser).